The following is an entry in ClinVar:

ClinVar aggregate classification (germline): Uncertain significance. Review status: criteria provided, multiple submitters, no conflicts (2 of 4 stars). 5 submissions from 5 submitters: Uncertain significance (5). Last evaluated 2025-09-15.

Conditions:
YARS1-related disorder. Also called: YARS1-related condition.
Charcot-Marie-Tooth disease dominant intermediate C (CMTDIC). Also called: CHARCOT-MARIE-TOOTH NEUROPATHY, DOMINANT INTERMEDIATE C. Identifiers: Orphanet 100045, MedGen C1842237, MONDO:0012012, OMIM 608323.

Submissions (5):

PreventionGenetics, part of Exact Sciences
Classification: Uncertain significance for YARS1-related condition. Last evaluated: 2025-09-15. Review status: criteria provided, single submitter. Criteria: ACMG Guidelines, 2015. Collection method: clinical testing. Allele origin: germline.
Comment: The YARS1 c.1094delC variant is predicted to result in a frameshift and premature protein termination (p.Pro365Hisfs*25). To our knowledge, this variant has not been reported in the literature. This variant is reported in 0.013% of alleles in individuals of European (non-Finnish) descent in gnomAD. Loss of function is not an established mechanism of YARS1-related disease. At this time, the clinical significance of this variant is uncertain due to the absence of conclusive functional and genetic evidence.

Women's Health and Genetics/Laboratory Corporation of America, LabCorp
Classification: Uncertain significance. Last evaluated: 2025-03-10. Review status: criteria provided, single submitter. Criteria: LabCorp Variant Classification Summary - May 2015. Collection method: clinical testing. Allele origin: germline.
Comment: Variant summary: YARS1 c.1094delC (p.Pro365HisfsX25) results in a premature termination codon, predicted to cause a truncation of the encoded protein or absence of the protein due to nonsense mediated decay, however current evidence is not sufficient to establish loss of function as a mechanism for disease. The variant allele was found at a frequency of 1.1e-05 in 1614112 control chromosomes. This frequency is not significantly higher than estimated for a pathogenic variant in YARS1 causing Neurologic, endocrine, and pancreatic disease, multisystem, infantile-onset 2 (1.1e-05 vs 0.0011), allowing no conclusion about variant significance. To our knowledge, no occurrence of c.1094delC in individuals affected with YARS1-related conditions and no experimental evidence demonstrating its impact on protein function have been reported. ClinVar contains an entry for this variant (Variation ID: 581271). Based on the evidence outlined above, the variant was classified as uncertain significance.

Labcorp Genetics (formerly Invitae), Labcorp
Classification: Uncertain significance for Charcot-Marie-Tooth disease dominant intermediate C. Last evaluated: 2023-12-11. Review status: criteria provided, single submitter. Criteria: Invitae Variant Classification Sherloc (09022015). Collection method: clinical testing. Allele origin: germline.
Comment: This sequence change creates a premature translational stop signal (p.Pro365Hisfs*25) in the YARS gene. It is expected to result in an absent or disrupted protein product. However, the current clinical and genetic evidence is not sufficient to establish whether loss-of-function variants in YARS cause disease. This variant is present in population databases (no rsID available, gnomAD 0.007%). This variant has not been reported in the literature in individuals affected with YARS-related conditions. ClinVar contains an entry for this variant (Variation ID: 581271). In summary, the available evidence is currently insufficient to determine the role of this variant in disease. Therefore, it has been classified as a Variant of Uncertain Significance.

Athena Diagnostics
Classification: Uncertain significance. Last evaluated: 2023-07-13. Review status: criteria provided, single submitter. Criteria: Athena Diagnostics Criteria. Collection method: clinical testing. Allele origin: unknown.
Comment: Available data are insufficient to determine the clinical significance of the variant at this time. The frequency of this variant in the general population is higher than would generally be expected for pathogenic variants in this gene. This variant results in a shift of the reading frame, which would normally be considered likely pathogenic, however, it is unknown if loss-of-function is a disease mechanism for this gene, and so this information cannot be used towards pathogenicity.

GeneDx
Classification: Uncertain significance. Last evaluated: 2019-11-06. Review status: criteria provided, single submitter. Criteria: GeneDx Variant Classification Process June 2021. Collection method: clinical testing. Allele origin: germline. Affected: yes.
Comment: Not observed at a significant frequency in large population cohorts (Lek et al., 2016); Frameshift variant predicted to result in protein truncation or nonsense mediated decay in a gene for which loss-of-function is not a known mechanism of disease; Has not been previously published as pathogenic or benign to our knowledge

NM_003680.4(YARS1):c.1094del (p.Pro365fs)

Gene: YARS1 (tyrosyl-tRNA synthetase 1; minus strand). Cytogenetic location: 1p35.1.
Variant type: Deletion.
Coding change: c.1094del on transcript NM_003680.4 (MANE Select); coding-DNA position 1094, one base deleted (C; older notation c.1094delC).
Protein change: p.Pro365fs; shifts the reading frame from proline 365.
Molecular consequence: frameshift variant.
Genome position (GRCh38, 1-based): chr1:32,781,094, G deleted on the plus strand (C on the coding strand, the reverse complement: YARS1 is on the minus strand); the first of 3 consecutive G bases (chr1:32,781,094-32,781,096); deleting any one gives the same sequence. VCF-style (leftmost placement, unchanged base first): chr1-32781093-TG-T. GRCh37 (hg19) VCF-style: chr1-33246694-TG-T.
Other names: c.1094delC (NM_003680.3, NM_003680.4); short protein forms P365fs.
Identifiers: ClinVar variation 581271 (VCV000581271.14), dbSNP rs1413975578, ClinGen allele CA417065688.